The following is an entry in ClinVar:

ClinVar aggregate classification (germline): Pathogenic (1 of 4 stars; one submission).

Submission:

Labcorp Genetics (formerly Invitae), Labcorp
Classification: Pathogenic. Last evaluated: 2022-08-09. Review status: criteria provided, single submitter. Criteria: Invitae Variant Classification Sherloc (09022015). Collection method: clinical testing. Allele origin: germline.
Comment: For these reasons, this variant has been classified as Pathogenic. This variant has not been reported in the literature in individuals affected with USH1G-related conditions. A gross deletion of the genomic region encompassing the full coding sequence of the USH1G gene has been identified. Loss-of-function variants in USH1G are known to be pathogenic (PMID: 12588794, 22219650). The boundaries of this event are unknown as they extend beyond the assayed region for this gene and therefore may encompass additional genes.

Literature cited by the submitters: PubMed 12588794; PubMed 22219650.

NC_000017.10:g.(?_72914168)_(72919168_?)del

Gene: USH1G (USH1 protein network component sans; minus strand). Cytogenetic location: 17q25.1.
Variant type: Deletion.
Identifiers: ClinVar variation 2427500 (VCV002427500.4).